The following is an entry in ClinVar:

NM_001382391.1(CSPP1):c.3166G>A (p.Asp1056Asn)

Genes: ARFGEF1 (ARF guanine nucleotide exchange factor 1; minus strand), CSPP1 (centrosome and spindle pole associated protein 1; plus strand). Cytogenetic location: 8q13.2.
Variant type: single nucleotide variant.
Coding change: c.3166G>A on transcript NM_001382391.1 (MANE Select); coding-DNA position 3166, G replaced by A.
Protein change: p.Asp1056Asn; replaces aspartic acid 1056 with asparagine.
Molecular consequence: missense variant. On other transcripts: intron variant (2).
Genome position (GRCh38, 1-based): chr8:67,179,872, G>A. VCF-style: chr8-67179872-G-A. GRCh37 (hg19) VCF-style: chr8-68092107-G-A.
Other names: c.2116G>A, p.Asp706Asn (NM_001291339.2); c.3085G>A, p.Asp1029Asn (NM_001363131.2); c.2971G>A, p.Asp991Asn (NM_001363132.2); c.2890G>A, p.Asp964Asn (NM_001363133.2); c.3232G>A, p.Asp1078Asn (NM_001364869.1); c.3052G>A, p.Asp1018Asn (NM_001364870.1); c.2998G>A, p.Asp1000Asn (NM_001438330.1); c.3151G>A, p.Asp1051Asn (NM_001438331.1, NM_024790.7); and 3 more; short protein forms D1029N, D964N, D991N, D1056N, D1078N, D1018N, D1051N, D706N.
Identifiers: ClinVar variation 2085364 (VCV002085364.1), dbSNP rs755472926, ClinGen allele CA4771088.

ClinVar aggregate classification (germline): Uncertain significance (1 of 4 stars; one submission).

Conditions:
Joubert syndrome 21 (JBTS21). Identifiers: MedGen C3810212, MONDO:0014288, OMIM 615636.

Allele frequency attached by ClinVar (database versions not stated): ExAC 0.00004; gnomAD exomes 0.00002; TOPMed below 0.00001.
gnomAD v4.1: 34 of 1,595,518 alleles (0.0021%); highest among the groups gnomAD compares: South Asian, 0.038%; no homozygotes.

Submission:

Labcorp Genetics (formerly Invitae), Labcorp
Classification: Uncertain significance for Joubert syndrome 21. Last evaluated: 2022-06-08. Review status: criteria provided, single submitter. Criteria: Invitae Variant Classification Sherloc (09022015). Collection method: clinical testing. Allele origin: germline.
Comment: This sequence change replaces aspartic acid, which is acidic and polar, with asparagine, which is neutral and polar, at codon 1051 of the CSPP1 protein (p.Asp1051Asn). This variant is present in population databases (rs755472926, gnomAD 0.03%). This variant has not been reported in the literature in individuals affected with CSPP1-related conditions. Algorithms developed to predict the effect of missense changes on protein structure and function output the following: SIFT: "Deleterious"; PolyPhen-2: "Possibly Damaging"; Align-GVGD: "Class C0". The asparagine amino acid residue is found in multiple mammalian species, which suggests that this missense change does not adversely affect protein function. Algorithms developed to predict the effect of sequence changes on RNA splicing suggest that this variant may disrupt the consensus splice site. In summary, the available evidence is currently insufficient to determine the role of this variant in disease. Therefore, it has been classified as a Variant of Uncertain Significance.